The following is an entry in ClinVar:

ClinVar aggregate classification (germline): Uncertain significance (1 of 4 stars; one submission).

Conditions:
Primary ciliary dyskinesia. Also called: Ciliary dyskinesia. Identifiers: Orphanet 244, MedGen C0008780, MONDO:0016575, HP:0012265.

Submission:

Labcorp Genetics (formerly Invitae), Labcorp
Classification: Uncertain significance for Primary ciliary dyskinesia. Last evaluated: 2025-12-11. Review status: criteria provided, single submitter. Criteria: Invitae Variant Classification Sherloc (09022015). Collection method: clinical testing. Allele origin: germline.
Comment: This sequence change replaces threonine, which is neutral and polar, with alanine, which is neutral and non-polar, at codon 1072 of the RPGR (ORF15) protein (p.Thr1072Ala). This variant is not present in population databases (gnomAD no frequency). This variant has not been reported in the literature in individuals affected with RPGR (ORF15)-related conditions. Invitae Evidence Modeling of protein sequence and biophysical properties (such as structural, functional, and spatial information, amino acid conservation, physicochemical variation, residue mobility, and thermodynamic stability) indicates that this missense variant is not expected to disrupt RPGR (ORF15) protein function with a negative predictive value of 95%. In summary, the available evidence is currently insufficient to determine the role of this variant in disease. Therefore, it has been classified as a Variant of Uncertain Significance.

NM_001034853.2(RPGR):c.3214A>G (p.Thr1072Ala)

Gene: RPGR (retinitis pigmentosa GTPase regulator; minus strand). Cytogenetic location: Xp11.4.
Variant type: single nucleotide variant.
Coding change: c.3214A>G on transcript NM_001034853.2 (MANE Select); coding-DNA position 3214, A replaced by G.
Protein change: p.Thr1072Ala; replaces threonine 1072 with alanine.
Molecular consequence: missense variant. On other transcripts: intron variant (8).
Genome position (GRCh38, 1-based): chrX:38,285,785, T>C on the plus strand (A>G on the coding strand, the complement: RPGR is on the minus strand). VCF-style: chrX-38285785-T-C. GRCh37 (hg19) VCF-style: chrX-38145038-T-C.
Other names: c.1569+5174A>G (NM_001367249.1, NM_001367250.1); c.1902+1309A>G (NM_001367245.1); c.1386+5174A>G (NM_001367251.1); c.1719+1309A>G (NM_001367246.1); c.1572+5174A>G (NM_001367247.1); c.1905+1309A>G (NM_000328.3); c.1602+5174A>G (NM_001367248.1); short protein forms T1072A.
Identifiers: ClinVar variation 4771033 (VCV004771033.1).